The following is an entry in ClinVar:

NM_001330260.2(SCN8A):c.5597G>A (p.Arg1866Gln)

Gene: SCN8A (sodium voltage-gated channel alpha subunit 8; plus strand). Cytogenetic location: 12q13.13.
Variant type: single nucleotide variant.
Coding change: c.5597G>A on transcript NM_001330260.2 (MANE Select); coding-DNA position 5597, G replaced by A.
Protein change: p.Arg1866Gln; replaces arginine 1866 with glutamine.
Molecular consequence: missense variant.
Genome position (GRCh38, 1-based): chr12:51,807,083, G>A. VCF-style: chr12-51807083-G-A. GRCh37 (hg19) VCF-style: chr12-52200867-G-A.
Other names: c.5597G>A (NM_014191.2); c.5474G>A, p.Arg1825Gln (NM_001177984.3, NM_001369788.1); c.5597G>A, p.Arg1866Gln (NM_014191.4); short protein forms R1866Q, R1825Q.
Identifiers: ClinVar variation 450430 (VCV000450430.14), dbSNP rs1555231108, ClinGen allele CA384887889.

ClinVar aggregate classification (germline): Conflicting classifications of pathogenicity. Review status: criteria provided, conflicting classifications (1 of 4 stars). 5 submissions from 5 submitters: Likely pathogenic (3); Uncertain significance (2). Last evaluated 2026-02-27.

Conditions:
Early-infantile DEE. Also called: Early infantile epileptic encephalopathy; Ohtahara syndrome; Early infantile epileptic encephalopathy with suppression bursts. Identifiers: Orphanet 1934, MedGen C0393706, MONDO:0800491.
Inborn genetic diseases. Identifiers: MedGen C0950123, MeSH D030342.

Submissions (5):

Ambry Genetics
Classification: Likely pathogenic for Inborn genetic diseases. Last evaluated: 2026-02-27. Review status: criteria provided, single submitter. Criteria: Ambry Variant Classification Scheme 2023. Collection method: clinical testing. Allele origin: germline.
Comment: The c.5597G>A (p.R1866Q) alteration is located in exon 27 (coding exon 26) of the SCN8A gene. This alteration results from a G to A substitution at nucleotide position 5597, causing the arginine (R) at amino acid position 1866 to be replaced by a glutamine (Q). Manual modifications: Change disease name in results table to SCN8A-related disorders Add reference: National Center for Biotechnology Information. ClinVar; [VCV000938530.11], (accessed March 7, 2025). This variant was not reported in population-based cohorts in the Genome Aggregation Database (gnomAD). This variant was reported in individuals with features consistent with SCN8A-related disorders; in at least one individual, it was determined to be de novo (Kothur, 2018; Johannesen, 2019; external communication). Another variant at the same codon, c.5596C>T (p.R1866W), has been identified in an individual with clinical features of early infantile epileptic encephalopathy (NCBI ClinVar). This amino acid position is highly conserved in available vertebrate species. This missense alteration is located in a region that has a low rate of benign missense variation (Lek, 2016; Firth, 2009). The in silico prediction for this alteration is inconclusive. Based on the available evidence, this alteration is classified as likely pathogenic.

CeGaT Center for Human Genetics Tuebingen
Classification: Likely pathogenic. Last evaluated: 2026-02-01. Review status: criteria provided, single submitter. Criteria: CeGaT Center For Human Genetics Tuebingen Variant Classification Criteria Version 2. Collection method: clinical testing. Allele origin: germline. Affected: yes. Observed: 1 variant allele.
Comment: SCN8A: PM2, PM6, PS4:Moderate, PM1:Supporting, PP2

Laboratory of Genetics, Children's Clinical University Hospital Latvia
Classification: Uncertain significance. Last evaluated: 2025-02-16. Review status: criteria provided, single submitter. Criteria: ACMG Guidelines, 2015. Collection method: clinical testing. Allele origin: germline. Affected: yes.

GeneDx
Classification: Likely pathogenic. Last evaluated: 2024-12-04. Review status: criteria provided, single submitter. Criteria: GeneDx Variant Classification Process June 2021. Collection method: clinical testing. Allele origin: germline. Affected: yes.
Comment: Not observed at significant frequency in large population cohorts (gnomAD); In silico analysis supports that this missense variant has a deleterious effect on protein structure/function; This substitution is predicted to be within the C-terminal cytoplasmic domain.; This variant is associated with the following publications: (PMID: 32090326, 29852413)

Labcorp Genetics (formerly Invitae), Labcorp
Classification: Uncertain significance for Early-infantile DEE. Last evaluated: 2023-07-10. Review status: criteria provided, single submitter. Criteria: Invitae Variant Classification Sherloc (09022015). Collection method: clinical testing. Allele origin: germline.
Comment: In summary, the available evidence is currently insufficient to determine the role of this variant in disease. Therefore, it has been classified as a Variant of Uncertain Significance. This variant disrupts the p.Arg1866 amino acid residue in SCN8A. Other variant(s) that disrupt this residue have been observed in individuals with SCN8A-related conditions (Invitae), which suggests that this may be a clinically significant amino acid residue. Advanced modeling of protein sequence and biophysical properties (such as structural, functional, and spatial information, amino acid conservation, physicochemical variation, residue mobility, and thermodynamic stability) performed at Invitae indicates that this missense variant is not expected to disrupt SCN8A protein function. ClinVar contains an entry for this variant (Variation ID: 450430). This missense change has been observed in individual(s) with epileptic encephalopathy (PMID: 29852413). In at least one individual the variant was observed to be de novo. This variant is not present in population databases (gnomAD no frequency). This sequence change replaces arginine, which is basic and polar, with glutamine, which is neutral and polar, at codon 1866 of the SCN8A protein (p.Arg1866Gln).

Literature cited by the submitters: PubMed 29852413 (cited by Ambry Genetics and Labcorp Genetics (formerly Invitae), Labcorp); PubMed 30968951 (cited by Ambry Genetics).